The following is an entry in ClinVar:

NM_004655.4(AXIN2):c.1390T>C (p.Ser464Pro)

Gene: AXIN2 (axin 2; minus strand). Cytogenetic location: 17q24.1.
Variant type: single nucleotide variant.
Coding change: c.1390T>C on transcript NM_004655.4 (MANE Select); coding-DNA position 1390, T replaced by C.
Protein change: p.Ser464Pro; replaces serine 464 with proline.
Molecular consequence: missense variant.
Genome position (GRCh38, 1-based): chr17:65,537,646, A>G on the plus strand (T>C on the coding strand, the complement: AXIN2 is on the minus strand). VCF-style: chr17-65537646-A-G. GRCh37 (hg19) VCF-style: chr17-63533764-A-G.
Other names: c.1390T>C, p.Ser464Pro (NM_001363813.1); short protein forms S464P.
Identifiers: ClinVar variation 1445130 (VCV001445130.8), dbSNP rs762233852, ClinGen allele CA8718661.
Genomic context (GRCh38, chr17:65,537,646, plus strand): 5'-CGGGCGGGAGCAGGGAGTGGTACTGCGAATGGTGGTGGTGGTGGTGGTCCGGGGAGCGGG[A>G]GCGGGGGCTATAGCGGCCTACGCCTGGAGACTGGCAGCCAGGGGTCTTGAGGACCCTGGA-3'
Protein context (NP_004646.3, residues 454-474): SPGVGRYSPR[Ser464Pro]RSPDHHHHHH

ClinVar aggregate classification (germline): Uncertain significance (1 of 4 stars; one submission).

Conditions:
Oligodontia-cancer predisposition syndrome. Also called: TOOTH AGENESIS-COLORECTAL CANCER SYNDROME. Identifiers: Orphanet 300576, MedGen C1837750, MONDO:0012075, OMIM 608615. Disease mechanism: loss of function.

Submission:

Labcorp Genetics (formerly Invitae), Labcorp
Classification: Uncertain significance for Oligodontia-cancer predisposition syndrome. Last evaluated: 2021-05-31. Review status: criteria provided, single submitter. Criteria: Invitae Variant Classification Sherloc (09022015). Collection method: clinical testing. Allele origin: germline.
Comment: Algorithms developed to predict the effect of missense changes on protein structure and function (SIFT, PolyPhen-2, Align-GVGD) all suggest that this variant is likely to be tolerated, but these predictions have not been confirmed by published functional studies and their clinical significance is uncertain. In summary, the available evidence is currently insufficient to determine the role of this variant in disease. Therefore, it has been classified as a Variant of Uncertain Significance. This variant has not been reported in the literature in individuals with AXIN2-related conditions. The frequency data for this variant in the population databases is considered unreliable, as metrics indicate poor data quality at this position in the ExAC database. This sequence change replaces serine with proline at codon 464 of the AXIN2 protein (p.Ser464Pro). The serine residue is moderately conserved and there is a moderate physicochemical difference between serine and proline.